The following is an entry in ClinVar:

ClinVar aggregate classification (germline): Conflicting classifications of pathogenicity. Review status: criteria provided, conflicting classifications (1 of 4 stars). 2 submissions from 2 submitters: Uncertain significance (1); Likely benign (1). Last evaluated 2024-12-16.

Conditions:
Autosomal dominant childhood-onset proximal spinal muscular atrophy with contractures (SMALED2A). Also called: SPINAL MUSCULAR ATROPHY, LOWER EXTREMITY-PREDOMINANT, 2A, CHILDHOOD ONSET, AUTOSOMAL DOMINANT; Spinal muscular atrophy, lower extremity-predominant, 2A, autosomal dominant. Identifiers: Orphanet 363447, Orphanet 363454, MedGen C4747715, MONDO:0014121, OMIM 615290.
Inborn genetic diseases. Identifiers: MedGen C0950123, MeSH D030342.

Allele frequency attached by ClinVar (database versions not stated): gnomAD exomes below 0.00001; gnomAD 0.00002 and 0.00001; ExAC 0.00002; TOPMed 0.00006; ESP Exome Variant Server 0.00008.
gnomAD v4.1: 22 of 1,614,014 alleles (0.0014%); highest among the groups gnomAD compares: South Asian, 0.0044%; no homozygotes.

Submissions (2):

Labcorp Genetics (formerly Invitae), Labcorp
Classification: Likely benign for Autosomal dominant childhood-onset proximal spinal muscular atrophy with contractures. Last evaluated: 2024-12-16. Review status: criteria provided, single submitter. Criteria: Invitae Variant Classification Sherloc (09022015). Collection method: clinical testing. Allele origin: germline.

Ambry Genetics
Classification: Uncertain significance for Inborn genetic diseases. Last evaluated: 2020-03-05. Review status: criteria provided, single submitter. Criteria: Ambry Variant Classification Scheme 2023. Collection method: clinical testing. Allele origin: germline.
Comment: The p.R399H variant (also known as c.1196G>A), located in coding exon 5 of the BICD2 gene, results from a G to A substitution at nucleotide position 1196. The arginine at codon 399 is replaced by histidine, an amino acid with highly similar properties. This amino acid position is not well conserved in available vertebrate species. In addition, this alteration is predicted to be tolerated by in silico analysis. Since supporting evidence is limited at this time, the clinical significance of this alteration remains unclear.

Literature cited by the submitters: PubMed 28335620 (cited by Ambry Genetics).

NM_001003800.2(BICD2):c.1196G>A (p.Arg399His)

Gene: BICD2 (BICD cargo adaptor 2; minus strand). Cytogenetic location: 9q22.31.
Variant type: single nucleotide variant.
Coding change: c.1196G>A on transcript NM_001003800.2 (MANE Select); coding-DNA position 1196, G replaced by A.
Protein change: p.Arg399His; replaces arginine 399 with histidine.
Molecular consequence: missense variant.
Genome position (GRCh38, 1-based): chr9:92,719,449, C>T on the plus strand (G>A on the coding strand, the complement: BICD2 is on the minus strand). VCF-style: chr9-92719449-C-T. GRCh37 (hg19) VCF-style: chr9-95481731-C-T.
Other names: c.1196G>A, p.Arg399His (NM_015250.4); short protein forms R399H.
Identifiers: ClinVar variation 474256 (VCV000474256.11), dbSNP rs372251238, ClinGen allele CA5126609.